The following is an entry in ClinVar:

NM_212482.4(FN1):c.6445A>G (p.Arg2149Gly)

Gene: FN1 (fibronectin 1; minus strand). Cytogenetic location: 2q35.
Variant type: single nucleotide variant.
Coding change: c.6445A>G on transcript NM_212482.4 (MANE Select); coding-DNA position 6445, A replaced by G.
Protein change: p.Arg2149Gly; replaces arginine 2149 with glycine.
Molecular consequence: missense variant. On other transcripts: intron variant (3).
Genome position (GRCh38, 1-based): chr2:215,372,178, T>C on the plus strand (A>G on the coding strand, the complement: FN1 is on the minus strand). VCF-style: chr2-215372178-T-C. GRCh37 (hg19) VCF-style: chr2-216236901-T-C.
Other names: c.6445A>G, p.Arg2149Gly (NM_001306129.2); c.5902A>G, p.Arg1968Gly (NM_001306131.2, NM_212476.3); c.5827A>G, p.Arg1943Gly (NM_001306132.2, NM_001365523.2); c.6175A>G, p.Arg2059Gly (NM_001365517.2, NM_001365521.2); c.6172A>G, p.Arg2058Gly (NM_001365518.2, NM_002026.4); c.6100A>G, p.Arg2034Gly (NM_001365519.2, NM_001365522.2); c.6097A>G, p.Arg2033Gly (NM_001365520.2, NM_212478.3); c.5705-163A>G (NM_212474.3); and 2 more; short protein forms R2033G, R2034G, R2149G, R1943G, R1968G, R2058G, R2059G.
Identifiers: ClinVar variation 3516298 (VCV003516298.2).

ClinVar aggregate classification (germline): Uncertain significance. Review status: criteria provided, multiple submitters, no conflicts (2 of 4 stars). 2 submissions from 2 submitters: Uncertain significance (2). Last evaluated 2025-11-22.

Conditions:
Inborn genetic diseases. Identifiers: MedGen C0950123, MeSH D030342.

Submissions (2):

Labcorp Genetics (formerly Invitae), Labcorp
Classification: Uncertain significance. Last evaluated: 2025-11-22. Review status: criteria provided, single submitter. Criteria: Invitae Variant Classification Sherloc (09022015). Collection method: clinical testing. Allele origin: germline.
Comment: This sequence change replaces arginine, which is basic and polar, with glycine, which is neutral and non-polar, at codon 2149 of the FN1 protein (p.Arg2149Gly). This variant is not present in population databases (gnomAD no frequency). This variant has not been reported in the literature in individuals affected with FN1-related conditions. ClinVar contains an entry for this variant (Variation ID: 3516298). An algorithm developed to predict the effect of missense changes on protein structure and function (PolyPhen-2) suggests that this variant is likely to be tolerated. In summary, the available evidence is currently insufficient to determine the role of this variant in disease. Therefore, it has been classified as a Variant of Uncertain Significance.

Ambry Genetics
Classification: Uncertain significance for Inborn genetic diseases. Last evaluated: 2024-08-04. Review status: criteria provided, single submitter. Criteria: Ambry Variant Classification Scheme 2023. Collection method: clinical testing. Allele origin: germline.